The following is an entry in ClinVar:

ClinVar aggregate classification (germline): Uncertain significance (1 of 4 stars; one submission).

Conditions:
Heterotopia, periventricular, X-linked dominant (PVNH1). Also called: PERIVENTRICULAR NODULAR HETEROTOPIA 4; HETEROTOPIA, PERIVENTRICULAR, 1; PERIVENTRICULAR NODULAR HETEROTOPIA 1; X-linked periventricular heterotopia. Identifiers: Orphanet 2149, Orphanet 82004, MedGen C1848213, MONDO:0010233, OMIM 300049.
Oto-palato-digital syndrome, type II (OPD2). Also called: Otopalatodigital Syndrome, Type II; FACIOPALATOOSSEOUS SYNDROME; OPD II SYNDROME; Otopalatodigital Syndrome Type 2 (FLNA-OPD2). Identifiers: Orphanet 669, Orphanet 90652, MedGen C1844696, MONDO:0010571, OMIM 304120.
Melnick-Needles syndrome (MNS). Also called: MELNICK-NEEDLES OSTEODYSPLASTY; OSTEODYSPLASTY OF MELNICK AND NEEDLES; Melnick-Needles Syndrome (FLNA-MNS). Identifiers: Orphanet 2484, MedGen C0025237, MONDO:0010650, OMIM 309350.
Frontometaphyseal dysplasia (FMD1). Identifiers: Orphanet 1826, MedGen C0265293, MONDO:0015942.

Submission:

Labcorp Genetics (formerly Invitae), Labcorp
Classification: Uncertain significance for Oto-palato-digital syndrome, type II; Heterotopia, periventricular, X-linked dominant; Frontometaphyseal dysplasia; Melnick-Needles syndrome. Last evaluated: 2025-10-20. Review status: criteria provided, single submitter. Criteria: Invitae Variant Classification Sherloc (09022015). Collection method: clinical testing. Allele origin: germline.
Comment: This sequence change replaces isoleucine, which is neutral and non-polar, with valine, which is neutral and non-polar, at codon 654 of the FLNA protein (p.Ile654Val). This variant is not present in population databases (gnomAD no frequency). This variant has not been reported in the literature in individuals affected with FLNA-related conditions. Invitae Evidence Modeling of protein sequence and biophysical properties (such as structural, functional, and spatial information, amino acid conservation, physicochemical variation, residue mobility, and thermodynamic stability) indicates that this missense variant is not expected to disrupt FLNA protein function with a negative predictive value of 95%. In summary, the available evidence is currently insufficient to determine the role of this variant in disease. Therefore, it has been classified as a Variant of Uncertain Significance.

NM_001110556.2(FLNA):c.1960A>G (p.Ile654Val)

Gene: FLNA (filamin A; minus strand). Cytogenetic location: Xq28.
Variant type: single nucleotide variant.
Coding change: c.1960A>G on transcript NM_001110556.2 (MANE Select); coding-DNA position 1960, A replaced by G.
Protein change: p.Ile654Val; replaces isoleucine 654 with valine.
Molecular consequence: missense variant.
Genome position (GRCh38, 1-based): chrX:154,364,588, T>C on the plus strand (A>G on the coding strand, the complement: FLNA is on the minus strand). VCF-style: chrX-154364588-T-C. GRCh37 (hg19) VCF-style: chrX-153592956-T-C.
Other names: c.1960A>G, p.Ile654Val (NM_001456.4); short protein forms I654V.
Identifiers: ClinVar variation 4789596 (VCV004789596.1).